The following is an entry in ClinVar:

ClinVar aggregate classification (germline): Pathogenic (1 of 4 stars; one submission).

Allele frequency attached by ClinVar (database versions not stated): gnomAD exomes below 0.00001.

Submission:

Labcorp Genetics (formerly Invitae), Labcorp
Classification: Pathogenic. Last evaluated: 2023-12-03. Review status: criteria provided, single submitter. Criteria: Invitae Variant Classification Sherloc (09022015). Collection method: clinical testing. Allele origin: germline.
Comment: This sequence change creates a premature translational stop signal (p.Glu1168Glyfs*4) in the ADGRV1 gene. It is expected to result in an absent or disrupted protein product. Loss-of-function variants in ADGRV1 are known to be pathogenic (PMID: 19357117, 22135276, 22147658, 26226137, 30718709, 31047384, 32467589). This variant is not present in population databases (gnomAD no frequency). This variant has not been reported in the literature in individuals affected with ADGRV1-related conditions. For these reasons, this variant has been classified as Pathogenic.

Literature cited by the submitters: PubMed 19357117; PubMed 22135276; PubMed 22147658; PubMed 26226137; PubMed 30718709; PubMed 31047384; PubMed 32467589.

NM_032119.4(ADGRV1):c.3500dup (p.Glu1168fs)

Gene: ADGRV1 (adhesion G protein-coupled receptor V1; plus strand). Cytogenetic location: 5q14.3.
Variant type: Duplication.
Coding change: c.3500dup on transcript NM_032119.4 (MANE Select); coding-DNA position 3500, one base duplicated (A; older notation c.3500dupA).
Protein change: p.Glu1168fs; shifts the reading frame from glutamic acid 1168.
Molecular consequence: frameshift variant. On other transcripts: non-coding transcript variant (1).
Genome position (GRCh38, 1-based): chr5:90,652,429, A duplicated. VCF-style (leftmost placement, unchanged base first): chr5-90652428-C-CA. GRCh37 (hg19) VCF-style: chr5-89948245-C-CA.
Other names: short protein forms E1168fs.
Identifiers: ClinVar variation 2700635 (VCV002700635.3), dbSNP rs2532075098, ClinGen allele CA2674564948.
Genomic context (GRCh38, chr5:90,652,428, plus strand): 5'-TTTGGTAGTGTTTCTGTATCTTGGCAGCTCTTTCAGAATGATTCTGCTTTGCAGCCTGGG[C>CA]AGGAGTTCTATGAAACTTCAGGAACTGTTAACTTCATGGATGGAGAAGAAGCAAAACCAA-3'